The following is an entry in ClinVar:

NM_033380.3(COL4A5):c.799G>C (p.Gly267Arg)

Gene: COL4A5 (collagen type IV alpha 5 chain; plus strand). Cytogenetic location: Xq22.3.
Variant type: single nucleotide variant.
Coding change: c.799G>C on transcript NM_033380.3 (MANE Select); coding-DNA position 799, G replaced by C.
Protein change: p.Gly267Arg; replaces glycine 267 with arginine.
Molecular consequence: missense variant.
Genome position (GRCh38, 1-based): chrX:108,580,551, G>C. VCF-style: chrX-108580551-G-C. GRCh37 (hg19) VCF-style: chrX-107823781-G-C.
Other names: c.799G>C, p.Gly267Arg (NM_000495.5); short protein forms G267R.
Identifiers: ClinVar variation 1507208 (VCV001507208.9), dbSNP rs1603283567, ClinGen allele CA413925646.

ClinVar aggregate classification (germline): Pathogenic/Likely pathogenic. Review status: criteria provided, multiple submitters, no conflicts (2 of 4 stars). 2 submissions from 2 submitters: Pathogenic (1); Likely pathogenic (1). Last evaluated 2021-11-22.

Conditions:
X-linked Alport syndrome (ATS1). Also called: COL4A5-Related Nephropathy; NEPHROPATHY AND DEAFNESS, X-LINKED. Identifiers: Orphanet 63, Orphanet 88917, MedGen C4746986, MONDO:0010520, OMIM 301050.

Submissions (2):

Fulgent Genetics
Classification: Pathogenic for X-linked Alport syndrome. Last evaluated: 2021-11-22. Review status: criteria provided, single submitter. Criteria: ACMG Guidelines, 2015. Collection method: clinical testing. Allele origin: unknown.

Labcorp Genetics (formerly Invitae), Labcorp
Classification: Likely pathogenic. Last evaluated: 2021-06-30. Review status: criteria provided, single submitter. Criteria: Invitae Variant Classification Sherloc (09022015). Collection method: clinical testing. Allele origin: germline.
Comment: In summary, the currently available evidence indicates that the variant is pathogenic, but additional data are needed to prove that conclusively. Therefore, this variant has been classified as Likely Pathogenic. This sequence change replaces glycine with arginine at codon 267 of the COL4A5 protein (p.Gly267Arg). The glycine residue is highly conserved and there is a moderate physicochemical difference between glycine and arginine. This variant is not present in population databases (ExAC no frequency). This variant has been observed in individual(s) with clinical features of Alport syndrome (Invitae). Advanced modeling of protein sequence and biophysical properties (such as structural, functional, and spatial information, amino acid conservation, physicochemical variation, residue mobility, and thermodynamic stability) performed at Invitae indicates that this missense variant is expected to disrupt COL4A5 protein function. This variant disrupts the triple helix domain of COL4A5. Glycine residues within the Gly-Xaa-Yaa repeats of the triple helix domain are required for the structure and stability of fibrillar collagens (PMID: 7695699, 8218237, 19344236). In COL4A5, missense variants at these glycine residues are significantly enriched in individuals with disease (PMID: 23720012, 27627812) compared to the general population (ExAC).

Literature cited by the submitters: PubMed 7695699 (cited by Labcorp Genetics (formerly Invitae), Labcorp); PubMed 8218237 (cited by Labcorp Genetics (formerly Invitae), Labcorp); PubMed 19344236 (cited by Labcorp Genetics (formerly Invitae), Labcorp); PubMed 23720012 (cited by Labcorp Genetics (formerly Invitae), Labcorp); PubMed 27627812 (cited by Labcorp Genetics (formerly Invitae), Labcorp).